The following is an entry in ClinVar:

NM_000321.3(RB1):c.2283G>T (p.Met761Ile)

Gene: RB1 (RB transcriptional corepressor 1; plus strand). Cytogenetic location: 13q14.2.
Variant type: single nucleotide variant.
Coding change: c.2283G>T on transcript NM_000321.3 (MANE Select); coding-DNA position 2283, G replaced by T.
Protein change: p.Met761Ile; replaces methionine 761 with isoleucine.
Molecular consequence: missense variant.
Genome position (GRCh38, 1-based): chr13:48,465,069, G>T. VCF-style: chr13-48465069-G-T. GRCh37 (hg19) VCF-style: chr13-49039205-G-T.
Other names: c.2283G>T, p.Met761Ile (NM_001407165.1); short protein forms M761I.
Identifiers: ClinVar variation 3313045 (VCV003313045.3).

ClinVar aggregate classification (germline): Uncertain significance. Review status: criteria provided, multiple submitters, no conflicts (2 of 4 stars). 2 submissions from 2 submitters: Uncertain significance (2). Last evaluated 2026-08-20.

Conditions:
Retinoblastoma (RB1). Also called: RETINOBLASTOMA, SOMATIC. Identifiers: Orphanet 790, MedGen C0035335, MeSH D012175, MONDO:0008380, OMIM 180200, HP:0009919. Disease mechanism: loss of function. Inheritance: Both sporadic and heritable forms are tested..
Hereditary cancer-predisposing syndrome. Also called: Neoplastic Syndromes, Hereditary; Tumor predisposition; Hereditary Cancer Syndrome; Hereditary neoplastic syndrome. Identifiers: Orphanet 140162, MedGen C0027672, MeSH D009386, MONDO:0015356.

Submissions (2):

Ambry Genetics
Classification: Uncertain significance for Hereditary cancer-predisposing syndrome. Last evaluated: 2026-08-20. Review status: criteria provided, single submitter. Criteria: Ambry Variant Classification Scheme 2023. Collection method: clinical testing. Allele origin: germline.
Comment: The p.M761I variant (also known as c.2283G>T), located in coding exon 22 of the RB1 gene, results from a G to T substitution at nucleotide position 2283. The methionine at codon 761 is replaced by isoleucine, an amino acid with highly similar properties. This amino acid position is highly conserved in available vertebrate species. In addition, this alteration is predicted to be deleterious by in silico analysis. Based on the available evidence, the clinical significance of this variant remains unclear.

Labcorp Genetics (formerly Invitae), Labcorp
Classification: Uncertain significance for Retinoblastoma. Last evaluated: 2025-05-26. Review status: criteria provided, single submitter. Criteria: Invitae Variant Classification Sherloc (09022015). Collection method: clinical testing. Allele origin: germline.
Comment: This sequence change replaces methionine, which is neutral and non-polar, with isoleucine, which is neutral and non-polar, at codon 761 of the RB1 protein (p.Met761Ile). This variant is not present in population databases (gnomAD no frequency). This variant has not been reported in the literature in individuals affected with RB1-related conditions. ClinVar contains an entry for this variant (Variation ID: 3313045). Invitae Evidence Modeling of protein sequence and biophysical properties (such as structural, functional, and spatial information, amino acid conservation, physicochemical variation, residue mobility, and thermodynamic stability) indicates that this missense variant is not expected to disrupt RB1 protein function with a negative predictive value of 80%. In summary, the available evidence is currently insufficient to determine the role of this variant in disease. Therefore, it has been classified as a Variant of Uncertain Significance.